The following is an entry in ClinVar:

ClinVar aggregate classification (germline): Conflicting classifications of pathogenicity. Review status: criteria provided, conflicting classifications (1 of 4 stars). 8 submissions from 8 submitters: Uncertain significance (4); Likely benign (2). 2 of the submissions do not count toward it. Last evaluated 2026-03-05.

Conditions:
SERPINA1-related disorder. Also called: SERPINA1-related condition; SerpinA1-related disorders.
Alpha-1-antitrypsin deficiency (A1ATD). Also called: Alpha1-Antitrypsin Deficiency; AAT deficiency; A1AT deficiency. Identifiers: Orphanet 60, MedGen C0221757, MONDO:0013282, OMIM 613490.

Allele frequency attached by ClinVar (database versions not stated): 1000 Genomes Project 30x 0.00016; TOPMed 0.00107.
gnomAD v4.1: 638 of 1,614,258 alleles (0.04%); highest among the groups gnomAD compares: African/African-American, 0.27%; 2 homozygotes.

Submissions (8):

GeneDx
Classification: Uncertain significance. Last evaluated: 2026-03-05. Review status: criteria provided, single submitter. Criteria: GeneDx Variant Classification Process June 2021. Collection method: clinical testing. Allele origin: germline.
Comment: Reported in cis with another SERPINA1 variant in a patient with reduced serum alpha-1 anitrypsin levels but without liver or lung disease (PMID: 2309708); In silico analysis suggests that this missense variant does not alter protein structure/function; Also known as p.(G148R); This variant is associated with the following publications: (PMID: 34426522, 38388492, 33790624, 14551891, 38637533, 37277845, 37370942, 11524735, 12815594, 27296815, 7977369, 29393705, 32482783, 2309708, 40065168)

Labcorp Genetics (formerly Invitae), Labcorp
Classification: Likely benign for Alpha-1-antitrypsin deficiency. Last evaluated: 2026-01-28. Review status: criteria provided, single submitter. Criteria: Invitae Variant Classification Sherloc (09022015). Collection method: clinical testing. Allele origin: germline.

PreventionGenetics, part of Exact Sciences
Classification: Likely benign for SERPINA1-related condition. Last evaluated: 2024-11-15. Review status: criteria provided, single submitter. Criteria: ACMG Guidelines, 2015. Collection method: clinical testing. Allele origin: germline.
Comment: This variant is classified as likely benign based on ACMG/AMP sequence variant interpretation guidelines (Richards et al. 2015 PMID: 25741868, with internal and published modifications).

Mendelics
Classification: Uncertain significance for Alpha-1-antitrypsin deficiency. Last evaluated: 2019-05-28. Review status: criteria provided, single submitter. Criteria: Mendelics Assertion Criteria 2017. Collection method: clinical testing. Allele origin: unknown.

Eurofins Ntd Llc (ga)
Classification: Uncertain significance. Last evaluated: 2018-02-02. Review status: criteria provided, single submitter. Criteria: EGL Classification Definitions 2015. Collection method: clinical testing. Allele origin: germline. Observed: 5 variant alleles, 5 heterozygotes.

Illumina Laboratory Services, Illumina
Classification: Uncertain significance for Alpha-1-antitrypsin deficiency. Last evaluated: 2018-01-12. Review status: criteria provided, single submitter. Criteria: ICSL Variant Classification Criteria 13 December 2019. Collection method: clinical testing. Allele origin: germline.

Counsyl
Classification: Uncertain significance for Alpha-1-antitrypsin deficiency. Last evaluated: 2017-12-28. Review status: no assertion criteria provided. Collection method: clinical testing. Allele origin: unknown. Not counted in ClinVar's aggregate classification.

Department of Laboratory Medicine and Genetics, Trillium Health Partners Credit Valley Hospital
Classification: Uncertain significance for Alpha-1-antitrypsin deficiency. Last evaluated: 2014-12-08. Review status: no assertion criteria provided. Collection method: curation. Allele origin: germline. Affected: yes. Not counted in ClinVar's aggregate classification.

Literature cited by the submitters: PubMed 2309708 (cited by Counsyl); PubMed 7977369 (cited by Counsyl); PubMed 11524735 (cited by Counsyl).

NM_000295.5(SERPINA1):c.514G>A (p.Gly172Arg)

Gene: SERPINA1 (serpin family A member 1; minus strand). Cytogenetic location: 14q32.13.
Variant type: single nucleotide variant.
Coding change: c.514G>A on transcript NM_000295.5 (MANE Select); coding-DNA position 514, G replaced by A.
Protein change: p.Gly172Arg; replaces glycine 172 with arginine.
Molecular consequence: missense variant.
Genome position (GRCh38, 1-based): chr14:94,382,724, C>T on the plus strand (G>A on the coding strand, the complement: SERPINA1 is on the minus strand). VCF-style: chr14-94382724-C-T. GRCh37 (hg19) VCF-style: chr14-94849061-C-T.
Other names: G148R; c.514G>A, p.Gly172Arg (NM_001002235.3, NM_001002236.3, NM_001127700.2 and 7 more transcripts); short protein forms G172R.
Identifiers: ClinVar variation 393473 (VCV000393473.60), dbSNP rs112030253, ClinGen allele CA7327479.